The following is an entry in ClinVar:

NM_080424.4(SP110):c.148-3T>C

Genes: SP110 (SP110 nuclear body protein; minus strand), SP140 (SP140 nuclear body protein; plus strand). Cytogenetic location: 2q37.1.
Variant type: single nucleotide variant.
Coding change: c.148-3T>C on transcript NM_080424.4 (MANE Select); 3 bases into the intron before coding-DNA position 148, T replaced by C.
Molecular consequence: intron variant.
Genome position (GRCh38, 1-based): chr2:230,215,121, A>G on the plus strand (T>C on the coding strand, the complement: SP110 is on the minus strand). VCF-style: chr2-230215121-A-G. GRCh37 (hg19) VCF-style: chr2-231079836-A-G.
Other names: c.166-3T>C (NM_001378446.1, NM_001378445.1, NM_001378442.1 and 2 more transcripts); c.148-3T>C (NM_004509.5, NM_001378443.1, NM_001378447.1 and 1 more transcripts).
Identifiers: ClinVar variation 1979517 (VCV001979517.1), dbSNP rs200493694, ClinGen allele CA66762717.

ClinVar aggregate classification (germline): Uncertain significance (1 of 4 stars; one submission).

Conditions:
Hepatic veno-occlusive disease-immunodeficiency syndrome. Also called: Hepatic Veno-Occlusive Disease with Immunodeficiency. Identifiers: Orphanet 79124, MedGen C1856128, MONDO:0009338, OMIM 235550. Disease mechanism: loss of function.

Allele frequency attached by ClinVar (database versions not stated): TOPMed 0.00001; gnomAD 0.00003; gnomAD exomes 0.00003; 1000 Genomes Project 30x 0.00016; 1000 Genomes Project 0.00020.
gnomAD v4.1: 40 of 1,611,968 alleles (0.0025%); highest among the groups gnomAD compares: African/African-American, 0.004%; no homozygotes.

Submission:

Labcorp Genetics (formerly Invitae), Labcorp
Classification: Uncertain significance for Hepatic veno-occlusive disease-immunodeficiency syndrome. Last evaluated: 2022-04-01. Review status: criteria provided, single submitter. Criteria: Invitae Variant Classification Sherloc (09022015). Collection method: clinical testing. Allele origin: germline.
Comment: This sequence change falls in intron 2 of the SP110 gene. It does not directly change the encoded amino acid sequence of the SP110 protein. It affects a nucleotide within the consensus splice site. This variant is present in population databases (rs200493694, gnomAD 0.008%). This variant has not been reported in the literature in individuals affected with SP110-related conditions. Variants that disrupt the consensus splice site are a relatively common cause of aberrant splicing (PMID: 17576681, 9536098). Algorithms developed to predict the effect of sequence changes on RNA splicing suggest that this variant is not likely to affect RNA splicing. In summary, the available evidence is currently insufficient to determine the role of this variant in disease. Therefore, it has been classified as a Variant of Uncertain Significance.

Literature cited by the submitters: PubMed 17576681; PubMed 9536098.